The following is an entry in ClinVar:

ClinVar aggregate classification (germline): Likely benign (1 of 4 stars; one submission).

gnomAD v4.1: 374 of 1,535,810 alleles (0.024%); highest among the groups gnomAD compares: Non-Finnish European, 0.031%; no homozygotes.

Submission:

CeGaT Center for Human Genetics Tuebingen
Classification: Likely benign. Last evaluated: 2026-06-01. Review status: criteria provided, single submitter. Criteria: CeGaT Center For Human Genetics Tuebingen Variant Classification Criteria Version 2. Collection method: clinical testing. Allele origin: germline. Affected: yes. Observed: 2 variant alleles.
Comment: ZFHX2: BP4

NM_033400.3(ZFHX2):c.3437T>C (p.Met1146Thr)

Genes: THTPA (thiamine triphosphatase; plus strand), ZFHX2 (zinc finger homeobox 2; minus strand). Cytogenetic location: 14q11.2.
Variant type: single nucleotide variant.
Coding change: c.3437T>C on transcript NM_033400.3 (MANE Select); coding-DNA position 3437, T replaced by C.
Protein change: p.Met1146Thr; replaces methionine 1146 with threonine.
Molecular consequence: missense variant.
Genome position (GRCh38, 1-based): chr14:23,526,505, A>G on the plus strand (T>C on the coding strand, the complement: ZFHX2 is on the minus strand). VCF-style: chr14-23526505-A-G. GRCh37 (hg19) VCF-style: chr14-23995714-A-G.
Other names: short protein forms M1146T.
Identifiers: ClinVar variation 4083622 (VCV004083622.8).